The following is an entry in ClinVar:

ClinVar aggregate classification (germline): Uncertain significance (1 of 4 stars; one submission).

Conditions:
Congenital sideroblastic anemia-B-cell immunodeficiency-periodic fever-developmental delay syndrome. Also called: Sideroblastic anemia with B-cell immunodeficiency, periodic fevers, and developmental delay. Identifiers: Orphanet 369861, MedGen C4015172, MONDO:0014487, OMIM 616084.

Submission:

Labcorp Genetics (formerly Invitae), Labcorp
Classification: Uncertain significance for Congenital sideroblastic anemia-B-cell immunodeficiency-periodic fever-developmental delay syndrome. Last evaluated: 2022-07-07. Review status: criteria provided, single submitter. Criteria: Invitae Variant Classification Sherloc (09022015). Collection method: clinical testing. Allele origin: germline.
Comment: This variant has not been reported in the literature in individuals affected with TRNT1-related conditions. ClinVar contains an entry for this variant (Variation ID: 1361469). Algorithms developed to predict the effect of missense changes on protein structure and function (SIFT, PolyPhen-2, Align-GVGD) all suggest that this variant is likely to be tolerated. In summary, the available evidence is currently insufficient to determine the role of this variant in disease. Therefore, it has been classified as a Variant of Uncertain Significance. This variant is not present in population databases (gnomAD no frequency). This sequence change replaces arginine, which is basic and polar, with leucine, which is neutral and non-polar, at codon 361 of the TRNT1 protein (p.Arg361Leu).

NM_182916.3(TRNT1):c.1082G>T (p.Arg361Leu)

Gene: TRNT1 (tRNA nucleotidyl transferase 1; plus strand). Cytogenetic location: 3p26.2.
Variant type: single nucleotide variant.
Coding change: c.1082G>T on transcript NM_182916.3 (MANE Select); coding-DNA position 1082, G replaced by T.
Protein change: p.Arg361Leu; replaces arginine 361 with leucine.
Molecular consequence: missense variant. On other transcripts: non-coding transcript variant (8).
Genome position (GRCh38, 1-based): chr3:3,147,931, G>T. VCF-style: chr3-3147931-G-T. GRCh37 (hg19) VCF-style: chr3-3189615-G-T.
Other names: c.1022G>T, p.Arg341Leu (NM_001302946.2); c.1082G>T, p.Arg361Leu (NM_001367321.1, NM_001367322.1, NM_001367323.1); short protein forms R341L, R361L.
Identifiers: ClinVar variation 1361469 (VCV001361469.8), dbSNP rs527881651, ClinGen allele CA351448616.
Genomic context (GRCh38, chr3:3,147,931, plus strand): 5'-TGTGACGAAACTAAATGTTTGATTTTGACACGTAGTCTAGGGAACCTGATGCAACTACTC[G>T]TGTATGTGAACTACTGAAGTACCAAGGAGAGCACTGTCTCCTAAAGGAAATGCAGCAGTG-3'
Protein context (NP_886552.3, residues 351-371): IDSREPDATT[Arg361Leu]VCELLKYQGE